The following is an entry in ClinVar:

ClinVar aggregate classification (germline): Uncertain significance. Review status: criteria provided, multiple submitters, no conflicts (2 of 4 stars). 2 submissions from 2 submitters: Uncertain significance (2). Last evaluated 2023-03-27.

Conditions:
Hypertrophic cardiomyopathy. Also called: HYPERTROPHIC MYOCARDIOPATHY. Identifiers: Orphanet 217569, MedGen C0007194, MeSH D002312, MONDO:0005045, HP:0001639.

Allele frequency attached by ClinVar (database versions not stated): TOPMed below 0.00001; gnomAD exomes below 0.00001; gnomAD 0.00001.
gnomAD v4.1: 2 of 1,564,218 alleles (0.00013%); highest among the groups gnomAD compares: Non-Finnish European, 0.00017%; no homozygotes.

Submissions (2):

Labcorp Genetics (formerly Invitae), Labcorp
Classification: Uncertain significance for Hypertrophic cardiomyopathy. Last evaluated: 2023-03-27. Review status: criteria provided, single submitter. Criteria: Invitae Variant Classification Sherloc (09022015). Collection method: clinical testing. Allele origin: germline.
Comment: In summary, the available evidence is currently insufficient to determine the role of this variant in disease. Therefore, it has been classified as a Variant of Uncertain Significance. An algorithm developed to predict the effect of missense changes on protein structure and function (PolyPhen-2) suggests that this variant is likely to be disruptive. ClinVar contains an entry for this variant (Variation ID: 407312). This missense change has been observed in individual(s) with MYBPC3-related conditions (PMID: 33782553). This variant is not present in population databases (gnomAD no frequency). This sequence change replaces glycine, which is neutral and non-polar, with valine, which is neutral and non-polar, at codon 155 of the MYBPC3 protein (p.Gly155Val).

Stanford Center for Inherited Cardiovascular Disease, Stanford University
Classification: Uncertain significance. Last evaluated: 2016-09-06. Review status: criteria provided, single submitter. Criteria: ACMG Guidelines, 2015. Collection method: provider interpretation. Allele origin: germline.

Literature cited by the submitters: PubMed 33782553 (cited by Labcorp Genetics (formerly Invitae), Labcorp).

NM_000256.3(MYBPC3):c.464G>T (p.Gly155Val)

Gene: MYBPC3 (myosin binding protein C3; minus strand). Cytogenetic location: 11p11.2.
Variant type: single nucleotide variant.
Coding change: c.464G>T on transcript NM_000256.3 (MANE Select); coding-DNA position 464, G replaced by T.
Protein change: p.Gly155Val; replaces glycine 155 with valine.
Molecular consequence: missense variant.
Genome position (GRCh38, 1-based): chr11:47,350,055, C>A on the plus strand (G>T on the coding strand, the complement: MYBPC3 is on the minus strand). VCF-style: chr11-47350055-C-A. GRCh37 (hg19) VCF-style: chr11-47371606-C-A.
Other names: c.464G>T, p.Gly155Val (LRG_386t1); short protein forms G155V.
Identifiers: ClinVar variation 407312 (VCV000407312.11), dbSNP rs1060501477, ClinGen allele CA16613622.
Genomic context (GRCh38, chr11:47,350,055, plus strand): 5'-CACAGCAGCTCACACTCACCCACGGTCACCTCGCCATCCTGTGGCCGCATCACGAAGAGG[C>A]CAATGGGGTCATCGGGGGCTCCAGGGGTAGGACCATTGAGAGCTGCTGAGCTTGACCCTG-3'
Protein context (NP_000247.2, residues 145-165): PTPGAPDDPI[Gly155Val]LFVMRPQDGE